The following is an entry in ClinVar:

ClinVar aggregate classification (germline): Uncertain significance. Review status: criteria provided, multiple submitters, no conflicts (2 of 4 stars). 2 submissions from 2 submitters: Uncertain significance (2). Last evaluated 2025-11-10.

Conditions:
Cardiovascular phenotype. Identifiers: MedGen CN230736.
Brugada syndrome 8 (BRGDA8). Identifiers: Orphanet 130, MedGen C2751083, MONDO:0013148, OMIM 613123.

Allele frequency attached by ClinVar (database versions not stated): gnomAD exomes below 0.00001 and 0.00001; ExAC 0.00003.

Submissions (2):

Labcorp Genetics (formerly Invitae), Labcorp
Classification: Uncertain significance for Brugada syndrome 8. Last evaluated: 2025-11-10. Review status: criteria provided, single submitter. Criteria: Invitae Variant Classification Sherloc (09022015). Collection method: clinical testing. Allele origin: germline.
Comment: This sequence change replaces proline, which is neutral and non-polar, with alanine, which is neutral and non-polar, at codon 998 of the HCN4 protein (p.Pro998Ala). The frequency data for this variant in the population databases is considered unreliable, as metrics indicate poor data quality at this position in the gnomAD database. This variant has not been reported in the literature in individuals affected with HCN4-related conditions. ClinVar contains an entry for this variant (Variation ID: 1063989). Invitae Evidence Modeling of protein sequence and biophysical properties (such as structural, functional, and spatial information, amino acid conservation, physicochemical variation, residue mobility, and thermodynamic stability) indicates that this missense variant is not expected to disrupt HCN4 protein function with a negative predictive value of 95%. In summary, the available evidence is currently insufficient to determine the role of this variant in disease. Therefore, it has been classified as a Variant of Uncertain Significance.

Ambry Genetics
Classification: Uncertain significance for Cardiovascular phenotype. Last evaluated: 2023-04-09. Review status: criteria provided, single submitter. Criteria: Ambry Variant Classification Scheme 2023. Collection method: clinical testing. Allele origin: germline.
Comment: The p.P998A variant (also known as c.2992C>G), located in coding exon 8 of the HCN4 gene, results from a C to G substitution at nucleotide position 2992. The proline at codon 998 is replaced by alanine, an amino acid with highly similar properties. This amino acid position is conserved. In addition, the in silico prediction for this alteration is inconclusive. Since supporting evidence is limited at this time, the clinical significance of this alteration remains unclear.

NM_005477.3(HCN4):c.2992C>G (p.Pro998Ala)

Gene: HCN4 (hyperpolarization activated cyclic nucleotide gated potassium channel 4; minus strand). Cytogenetic location: 15q24.1.
Variant type: single nucleotide variant.
Coding change: c.2992C>G on transcript NM_005477.3 (MANE Select); coding-DNA position 2992, C replaced by G.
Protein change: p.Pro998Ala; replaces proline 998 with alanine.
Molecular consequence: missense variant.
Genome position (GRCh38, 1-based): chr15:73,323,101, G>C on the plus strand (C>G on the coding strand, the complement: HCN4 is on the minus strand). VCF-style: chr15-73323101-G-C. GRCh37 (hg19) VCF-style: chr15-73615442-G-C.
Other names: c.2992C>G (NM_005477.2); short protein forms P998A.
Identifiers: ClinVar variation 1063989 (VCV001063989.9), dbSNP rs761666368, ClinGen allele CA7648910.